The following is an entry in ClinVar:

ClinVar aggregate classification (germline): Uncertain significance (1 of 4 stars; one submission).

Conditions:
Primary ciliary dyskinesia 28. Also called: CILIARY DYSKINESIA, PRIMARY, 28, WITH OR WITHOUT SITUS INVERSUS. Identifiers: Orphanet 244, MedGen C3809706, MONDO:0014216, OMIM 615505.

Allele frequency attached by ClinVar (database versions not stated): TOPMed below 0.00001; gnomAD 0.00001; gnomAD exomes 0.00001.
gnomAD v4.1: 6 of 1,613,920 alleles (0.00037%); highest among the groups gnomAD compares: South Asian, 0.0011%; no homozygotes.

Submission:

Labcorp Genetics (formerly Invitae), Labcorp
Classification: Uncertain significance for Primary ciliary dyskinesia 28. Last evaluated: 2022-07-05. Review status: criteria provided, single submitter. Criteria: Invitae Variant Classification Sherloc (09022015). Collection method: clinical testing. Allele origin: germline.
Comment: This variant is not present in population databases (gnomAD no frequency). In summary, the available evidence is currently insufficient to determine the role of this variant in disease. Therefore, it has been classified as a Variant of Uncertain Significance. Algorithms developed to predict the effect of missense changes on protein structure and function output the following: SIFT: "Tolerated"; PolyPhen-2: "Benign"; Align-GVGD: "Class C0". The valine amino acid residue is found in multiple mammalian species, which suggests that this missense change does not adversely affect protein function. This variant has not been reported in the literature in individuals affected with SPAG1-related conditions. This sequence change replaces leucine, which is neutral and non-polar, with valine, which is neutral and non-polar, at codon 816 of the SPAG1 protein (p.Leu816Val).

NM_003114.5(SPAG1):c.2446C>G (p.Leu816Val)

Gene: SPAG1 (sperm associated antigen 1; plus strand). Cytogenetic location: 8q22.2.
Variant type: single nucleotide variant.
Coding change: c.2446C>G on transcript NM_003114.5 (MANE Select); coding-DNA position 2446, C replaced by G.
Protein change: p.Leu816Val; replaces leucine 816 with valine.
Molecular consequence: missense variant.
Genome position (GRCh38, 1-based): chr8:100,240,568, C>G. VCF-style: chr8-100240568-C-G. GRCh37 (hg19) VCF-style: chr8-101252796-C-G.
Other names: c.2446C>G, p.Leu816Val (NM_001374321.1, NM_172218.3); short protein forms L816V.
Identifiers: ClinVar variation 2419884 (VCV002419884.6), dbSNP rs1221177130, ClinGen allele CA371818431.